The following is an entry in ClinVar:

NM_018699.4(PRDM5):c.32C>A (p.Ser11Tyr)

Gene: PRDM5 (PR/SET domain 5; minus strand). Cytogenetic location: 4q27.
Variant type: single nucleotide variant.
Coding change: c.32C>A on transcript NM_018699.4 (MANE Select); coding-DNA position 32, C replaced by A.
Protein change: p.Ser11Tyr; replaces serine 11 with tyrosine.
Molecular consequence: missense variant.
Genome position (GRCh38, 1-based): chr4:120,922,577, G>T on the plus strand (C>A on the coding strand, the complement: PRDM5 is on the minus strand). VCF-style: chr4-120922577-G-T. GRCh37 (hg19) VCF-style: chr4-121843732-G-T.
Other names: c.32C>A, p.Ser11Tyr (NM_001300823.2, NM_001300824.2, NM_001379104.1 and 1 more transcripts); short protein forms S11Y.
Identifiers: ClinVar variation 4687629 (VCV004687629.1).

ClinVar aggregate classification (germline): Uncertain significance (1 of 4 stars; one submission).

Submission:

Women's Health and Genetics/Laboratory Corporation of America, LabCorp
Classification: Uncertain significance. Last evaluated: 2025-10-01. Review status: criteria provided, single submitter. Criteria: LabCorp Variant Classification Summary - May 2015. Collection method: clinical testing. Allele origin: germline.
Comment: Variant summary: PRDM5 c.32C>A (p.Ser11Tyr) results in a non-conservative amino acid change in the encoded protein sequence. Algorithms developed to predict the effect of missense changes on protein structure and function are either unavailable or do not agree on the potential impact of this missense change. The variant was absent in 242218 control chromosomes. The available data on variant occurrences in the general population are insufficient to allow any conclusion about variant significance. To our knowledge, no occurrence of c.32C>A in individuals affected with PRDM5-related conditions and no experimental evidence demonstrating its impact on protein function have been reported. No submitters have cited clinical-significance assessments for this variant to ClinVar. Based on the evidence outlined above, the variant was classified as uncertain significance.